The following is an entry in ClinVar:

ClinVar aggregate classification (germline): Likely pathogenic. Review status: reviewed by expert panel (3 of 4 stars). 7 submissions from 7 submitters: Likely pathogenic (1). 6 of the submissions do not count toward it. Last evaluated 2022-03-09.

Conditions:
Hereditary cancer-predisposing syndrome. Also called: Neoplastic Syndromes, Hereditary; Hereditary Cancer Syndrome; Tumor predisposition; Hereditary neoplastic syndrome. Identifiers: Orphanet 140162, MedGen C0027672, MeSH D009386, MONDO:0015356.
ATM-related cancer predisposition. Also called: ATM-related cancer susceptibility. Identifiers: MedGen CN377759, MONDO:0700270.
Familial cancer of breast. Also called: Hereditary breast cancer; BREAST CANCER, FAMILIAL; hereditary breast carcinoma. Identifiers: Orphanet 227535, MedGen C0346153, MONDO:0016419, OMIM 114480. Disease mechanism: loss of function.
Ataxia-telangiectasia syndrome (AT). Also called: LOUIS-BAR SYNDROME; Cerebello-oculocutaneous telangiectasia; Immunodeficiency with ataxia telangiectasia; Ataxia-telangiectasia, complementation group D; AT, COMPLEMENTATION GROUP C; Ataxia-telangiectasia, complementation group E. Identifiers: Orphanet 100, MedGen C0004135, MONDO:0008840, OMIM 208900.

Allele frequency attached by ClinVar (database versions not stated): gnomAD exomes below 0.00001.
gnomAD v4.1: 1 of 1,593,096 alleles (0.000063%); highest among the groups gnomAD compares: Non-Finnish European, 0.000086%; no homozygotes.

Submissions (7):

ClinGen Hereditary Breast, Ovarian and Pancreatic Cancer Variant Curation Expert Panel, ClinGen
Classification: Likely pathogenic for ATM-related cancer predisposition. Last evaluated: 2022-03-09. Review status: reviewed by expert panel. Criteria: clingen hbop acmg specifications atm v1-1. Collection method: curation. Allele origin: germline. Inheritance: Autosomal dominant inheritance.
Comment: The ATM c.8268+1G>A variant is at a canonical splice position and is expected to produce an NMD-escaping transcript that adversely affects the critical FATKIN domain (PVS1). This variant is absent in the GnomAD v2.1.1 cohort (PM2_Supporting) In summary, this variant meets criteria to be classified as likely pathogenic. ACMG/AMP criteria applied, as specified by the HBOP Variant Curation Expert Panel.

Labcorp Genetics (formerly Invitae), Labcorp
Classification: Likely pathogenic for Ataxia-telangiectasia syndrome. Last evaluated: 2026-01-17. Review status: criteria provided, single submitter. Criteria: Invitae Variant Classification Sherloc (09022015). Collection method: clinical testing. Allele origin: germline. Not counted in ClinVar's aggregate classification.
Comment: This sequence change affects a donor splice site in intron 56 of the ATM gene. It is expected to disrupt RNA splicing. Variants that disrupt the donor or acceptor splice site typically lead to a loss of protein function (PMID: 16199547), and loss-of-function variants in ATM are known to be pathogenic (PMID: 23807571, 25614872). This variant is not present in population databases (gnomAD no frequency). This variant has not been reported in the literature in individuals affected with ATM-related conditions. ClinVar contains an entry for this variant (Variation ID: 420799). Algorithms developed to predict the effect of sequence changes on RNA splicing suggest that this variant may disrupt the consensus splice site. In summary, the currently available evidence indicates that the variant is pathogenic, but additional data are needed to prove that conclusively. Therefore, this variant has been classified as Likely Pathogenic.

First Genomix Gene Laboratory, Genetic Diagnostics Department
Classification: Likely pathogenic for Ataxia-telangiectasia syndrome. Last evaluated: 2025-08-22. Review status: criteria provided, single submitter. Criteria: ACMG Guidelines, 2015. Collection method: clinical testing. Allele origin: germline. Inheritance: Autosomal recessive inheritance. Affected: no. Observed: 1 variant allele. Not counted in ClinVar's aggregate classification.

Ambry Genetics
Classification: Likely pathogenic for Hereditary cancer-predisposing syndrome. Last evaluated: 2024-03-22. Review status: criteria provided, single submitter. Criteria: Ambry Variant Classification Scheme 2023. Collection method: clinical testing. Allele origin: germline. Not counted in ClinVar's aggregate classification.
Comment: The c.8268+1G>A intronic variant results from a G to A substitution one nucleotide after coding exon 55 of the ATM gene. In silico splice site analysis predicts that this alteration will weaken the native splice donor site. RNA studies have demonstrated that this alteration results in abnormal splicing in the set of samples tested (Ambry internal data). The resulting transcript is predicted to be in-frame and is not expected to trigger nonsense-mediated mRNA decay; however, direct evidence is unavailable. The exact functional effect of the altered amino acid sequence is unknown; however, the impacted region is critical for protein function (Ambry internal data). This nucleotide position is highly conserved in available vertebrate species. This variant is considered to be rare based on population cohorts in the Genome Aggregation Database (gnomAD). Based on the majority of available evidence to date, this variant is likely to be pathogenic.

Myriad Genetics, Inc.
Classification: Likely pathogenic for Familial cancer of breast. Last evaluated: 2024-02-01. Review status: criteria provided, single submitter. Criteria: Myriad Autosomal Dominant, Autosomal Recessive and X-Linked Classification Criteria (2023). Collection method: clinical testing. Allele origin: unknown. Not counted in ClinVar's aggregate classification.
Comment: This variant is considered likely pathogenic. This variant occurs within a consensus splice junction and is predicted to result in abnormal mRNA splicing of either an out-of-frame exon or an in-frame exon necessary for protein stability and/or normal function.

Department of Molecular Diagnostics, Institute of Oncology Ljubljana
Classification: Likely pathogenic for Familial cancer of breast. Last evaluated: 2020-04-02. Review status: criteria provided, single submitter. Criteria: ACMG Guidelines, 2015. Collection method: clinical testing. Allele origin: germline. Affected: yes. Not counted in ClinVar's aggregate classification.

GeneDx
Classification: Uncertain significance. Last evaluated: 2016-04-01. Review status: criteria provided, single submitter. Criteria: GeneDx Variant Classification (06012015). Collection method: clinical testing. Allele origin: germline. Affected: yes. Not counted in ClinVar's aggregate classification.
Comment: This variant is denoted ATM c.8268+1G>A or IVS56+1G>A and consists of a G>A nucleotide substitution at the +1 position of intron 56 of the ATM gene. This variant destroys a canonical splice donor site and is predicted to cause abnormal gene splicing, leading to either an abnormal message that is subject to nonsense-mediated mRNA decay or to an abnormal protein product. This variant has not, to our knowledge, been published in the literature. Based on currently available information, it is unclear whether ATM c.8268+1G>A is pathogenic or benign. We consider it to be a variant of uncertain significance.

Literature cited by the submitters: PubMed 16199547 (cited by Labcorp Genetics (formerly Invitae), Labcorp); PubMed 23807571 (cited by Labcorp Genetics (formerly Invitae), Labcorp); PubMed 25614872 (cited by Labcorp Genetics (formerly Invitae), Labcorp).

NM_000051.4(ATM):c.8268+1G>A

Genes: ATM (ATM serine/threonine kinase; plus strand), C11orf65 (chromosome 11 open reading frame 65; minus strand). Cytogenetic location: 11q22.3.
Variant type: single nucleotide variant.
Coding change: c.8268+1G>A on transcript NM_000051.4 (MANE Select); the canonical splice donor site of the intron after coding-DNA position 8268, G replaced by A.
Molecular consequence: splice donor variant. On other transcripts: intron variant (2).
Genome position (GRCh38, 1-based): chr11:108,335,962, G>A. VCF-style: chr11-108335962-G-A. GRCh37 (hg19) VCF-style: chr11-108206689-G-A.
Other names: NM_000051.3(ATM):c.8268+1G>A; c.8268+1G>A (NM_001351834.2); c.641-26891C>T (NM_001330368.2); c.695-670C>T (NM_001351110.2).
Identifiers: ClinVar variation 420799 (VCV000420799.17), dbSNP rs876658957, ClinGen allele CA16619252.